The following is an entry in ClinVar:

NM_147127.5(EVC2):c.902G>C (p.Gly301Ala)

Gene: EVC2 (EvC ciliary complex subunit 2; minus strand). Cytogenetic location: 4p16.2.
Variant type: single nucleotide variant.
Coding change: c.902G>C on transcript NM_147127.5 (MANE Select); coding-DNA position 902, G replaced by C.
Protein change: p.Gly301Ala; replaces glycine 301 with alanine.
Molecular consequence: missense variant.
Genome position (GRCh38, 1-based): chr4:5,665,618, C>G on the plus strand (G>C on the coding strand, the complement: EVC2 is on the minus strand). VCF-style: chr4-5665618-C-G. GRCh37 (hg19) VCF-style: chr4-5667345-C-G.
Other names: c.662G>C, p.Gly221Ala (NM_001166136.2); short protein forms G221A, G301A.
Identifiers: ClinVar variation 994114 (VCV000994114.11), dbSNP rs142952894, ClinGen allele CA2835229.
Genomic context (GRCh38, chr4:5,665,618, plus strand): 5'-ACCATGAGGAAGAGGGCAGCCCAGGTCAGCACAAGGGAGAGGAGGAAGGCAATGAAGAAC[C>G]CTGCTGCGTGGAGGCCGTGGTGCGGCAGAACCTGTGGAGACAAGAGGAGAGCAGGATTCA-3'
Protein context (NP_667338.3, residues 291-311): VLPHHGLHAA[Gly301Ala]FFIAFLLSLV

ClinVar aggregate classification (germline): Uncertain significance. Review status: criteria provided, multiple submitters, no conflicts (2 of 4 stars). 2 submissions from 2 submitters: Uncertain significance (2). Last evaluated 2024-10-09.

Conditions:
Ellis-van Creveld syndrome (EVC). Also called: EVC-Related Ellis-van Creveld Syndrome; EVC2-Related Ellis-van Creveld Syndrome; MESOECTODERMAL DYSPLASIA; Chondroectodermal dysplasia. Identifiers: Orphanet 289, MedGen C0013903, MONDO:0009162, OMIM 225500.
Curry-Hall syndrome (WAD). Also called: WEYERS ACRODENTAL DYSOSTOSIS. Identifiers: Orphanet 952, MedGen C0457013, MONDO:0008673, OMIM 193530.

Allele frequency attached by ClinVar (database versions not stated): gnomAD exomes 0.00001 and 0.00003; ExAC 0.00007; TOPMed 0.00008; 1000 Genomes Project 30x 0.00078; 1000 Genomes Project 0.00100.
gnomAD v4.1: 32 of 1,614,182 alleles (0.002%); highest among the groups gnomAD compares: African/African-American, 0.032%; 1 homozygote.

Submissions (2):

Labcorp Genetics (formerly Invitae), Labcorp
Classification: Uncertain significance for Curry-Hall syndrome; Ellis-van Creveld syndrome. Last evaluated: 2024-10-09. Review status: criteria provided, single submitter. Criteria: Invitae Variant Classification Sherloc (09022015). Collection method: clinical testing. Allele origin: germline.
Comment: This sequence change replaces glycine, which is neutral and non-polar, with alanine, which is neutral and non-polar, at codon 301 of the EVC2 protein (p.Gly301Ala). This variant is present in population databases (rs142952894, gnomAD 0.05%). This variant has not been reported in the literature in individuals affected with EVC2-related conditions. ClinVar contains an entry for this variant (Variation ID: 994114). An algorithm developed to predict the effect of missense changes on protein structure and function outputs the following: PolyPhen-2: "Benign". The alanine amino acid residue is found in multiple mammalian species, which suggests that this missense change does not adversely affect protein function. In summary, the available evidence is currently insufficient to determine the role of this variant in disease. Therefore, it has been classified as a Variant of Uncertain Significance.

ARUP Laboratories, Molecular Genetics and Genomics, ARUP Laboratories
Classification: Uncertain significance. Last evaluated: 2020-04-02. Review status: criteria provided, single submitter. Criteria: ARUP Molecular Germline Variant Investigation Process. Collection method: clinical testing. Allele origin: germline.
Comment: The EVC2 c.902G>C; p.Gly301Ala variant (rs142952894), to our knowledge, is not reported in the medical literature or gene specific databases. This variant is only observed on eight alleles in the Genome Aggregation Database, indicating it is not a common polymorphism. The glycine at codon 301 is highly conserved, but computational analyses (SIFT, PolyPhen-2) predict that this variant is tolerated. Due to limited information, the clinical significance of the p.Gly301Ala variant is uncertain at this time.